The following is an entry in ClinVar:

ClinVar aggregate classification (germline): Uncertain significance (1 of 4 stars; one submission).

Allele frequency attached by ClinVar (database versions not stated): TOPMed 0.00001.
gnomAD v4.1: 4 of 1,613,418 alleles (0.00025%); highest among the groups gnomAD compares: East Asian, 0.0022%; no homozygotes.

Submission:

Labcorp Genetics (formerly Invitae), Labcorp
Classification: Uncertain significance. Last evaluated: 2022-04-15. Review status: criteria provided, single submitter. Criteria: Invitae Variant Classification Sherloc (09022015). Collection method: clinical testing. Allele origin: germline.
Comment: In summary, the available evidence is currently insufficient to determine the role of this variant in disease. Therefore, it has been classified as a Variant of Uncertain Significance. Algorithms developed to predict the effect of missense changes on protein structure and function are either unavailable or do not agree on the potential impact of this missense change (SIFT: "Deleterious"; PolyPhen-2: "Possibly Damaging"; Align-GVGD: "Class C0"). This variant has not been reported in the literature in individuals affected with FERMT1-related conditions. This variant is present in population databases (no rsID available, gnomAD 0.0009%). This sequence change replaces arginine, which is basic and polar, with glycine, which is neutral and non-polar, at codon 238 of the FERMT1 protein (p.Arg238Gly).

NM_017671.5(FERMT1):c.712C>G (p.Arg238Gly)

Gene: FERMT1 (FERM domain containing kindlin 1; minus strand). Cytogenetic location: 20p12.3.
Variant type: single nucleotide variant.
Coding change: c.712C>G on transcript NM_017671.5 (MANE Select); coding-DNA position 712, C replaced by G.
Protein change: p.Arg238Gly; replaces arginine 238 with glycine.
Molecular consequence: missense variant.
Genome position (GRCh38, 1-based): chr20:6,110,332, G>C on the plus strand (C>G on the coding strand, the complement: FERMT1 is on the minus strand). VCF-style: chr20-6110332-G-C. GRCh37 (hg19) VCF-style: chr20-6090979-G-C.
Other names: short protein forms R238G.
Identifiers: ClinVar variation 1977376 (VCV001977376.5), dbSNP rs886513862, ClinGen allele CA408188014.